The following is an entry in ClinVar:

ClinVar aggregate classification (germline): Uncertain significance (1 of 4 stars; one submission).

Conditions:
TBX3-related disorder. Also called: TBX3-related condition.

Submission:

PreventionGenetics, part of Exact Sciences
Classification: Uncertain significance for TBX3-related condition. Last evaluated: 2025-10-20. Review status: criteria provided, single submitter. Criteria: ACMG Guidelines, 2015. Collection method: clinical testing. Allele origin: germline.
Comment: The TBX3 c.716A>C variant is predicted to result in the amino acid substitution p.Gln239Pro. To our knowledge, this variant has not been reported in the literature or in a large population database (gnomAD), indicating this variant is rare. At this time, the clinical significance of this variant is uncertain due to the absence of conclusive functional and genetic evidence.

NM_005996.4(TBX3):c.658-263A>C

Gene: TBX3 (T-box transcription factor 3; minus strand). Cytogenetic location: 12q24.21.
Variant type: single nucleotide variant.
Coding change: c.658-263A>C on transcript NM_005996.4 (MANE Select); 263 bases into the intron before coding-DNA position 658, A replaced by C.
Molecular consequence: intron variant. On other transcripts: missense variant (1).
Genome position (GRCh38, 1-based): chr12:114,679,914, T>G on the plus strand (A>C on the coding strand, the complement: TBX3 is on the minus strand). VCF-style: chr12-114679914-T-G. GRCh37 (hg19) VCF-style: chr12-115117719-T-G.
Other names: c.716A>C, p.Gln239Pro (NM_016569.4); short protein forms Q239P.
Identifiers: ClinVar variation 4992344 (VCV004992344.1).
Genomic context (GRCh38, chr12:114,679,914, plus strand): 5'-AAAGGGCCCCCCCCACCCTCACCATCTAAGGATCATTCATACCTTGAACCCTAGCCTACC[T>G]GAGTACCAAAACTATAATTCCCCTGCCACGTAGCGTGATCACTTGGGAAGGCCAAAGTCT-3'